The following is an entry in ClinVar:

ClinVar aggregate classification (germline): Uncertain significance (1 of 4 stars; one submission).

Conditions:
Hereditary cancer-predisposing syndrome. Also called: Neoplastic Syndromes, Hereditary; Tumor predisposition; Hereditary Cancer Syndrome; Hereditary neoplastic syndrome. Identifiers: Orphanet 140162, MedGen C0027672, MeSH D009386, MONDO:0015356.

Submission:

Ambry Genetics
Classification: Uncertain significance for Hereditary cancer-predisposing syndrome. Last evaluated: 2021-06-15. Review status: criteria provided, single submitter. Criteria: Ambry Variant Classification Scheme 2023. Collection method: clinical testing. Allele origin: germline.
Comment: The p.G977D variant (also known as c.2930G>A), located in coding exon 22 of the POLD1 gene, results from a G to A substitution at nucleotide position 2930. The glycine at codon 977 is replaced by aspartic acid, an amino acid with similar properties. This amino acid position is conserved. In addition, this alteration is predicted to be tolerated by in silico analysis. Since supporting evidence is limited at this time, the clinical significance of this alteration remains unclear.

NM_002691.4(POLD1):c.2930G>A (p.Gly977Asp)

Gene: POLD1 (DNA polymerase delta 1, catalytic subunit; plus strand). Cytogenetic location: 19q13.33.
Variant type: single nucleotide variant.
Coding change: c.2930G>A on transcript NM_002691.4 (MANE Select); coding-DNA position 2930, G replaced by A.
Protein change: p.Gly977Asp; replaces glycine 977 with aspartic acid.
Molecular consequence: missense variant. On other transcripts: non-coding transcript variant (1).
Genome position (GRCh38, 1-based): chr19:50,416,505, G>A. VCF-style: chr19-50416505-G-A. GRCh37 (hg19) VCF-style: chr19-50919762-G-A.
Other names: c.2930G>A, p.Gly977Asp (NM_001256849.1); c.3008G>A, p.Gly1003Asp (NM_001308632.1); short protein forms G1003D, G977D.
Identifiers: ClinVar variation 1797811 (VCV001797811.2), dbSNP rs2122492173, ClinGen allele CA406986632.
Genomic context (GRCh38, chr19:50,416,505, plus strand): 5'-ACCTGGAGCAGCAGCTGGCCAAGCCCCTCCTGCGCATCTTCGAGCCCATCCTGGGCGAGG[G>A]CCGTGCCGAGGCTGTGCTACTGCGTACGGGGGCACCAGGGGACTGGGGGCACCCTGGGGG-3'
Protein context (NP_002682.2, residues 967-987): LRIFEPILGE[Gly977Asp]RAEAVLLRGD